The following is an entry in ClinVar:

ClinVar aggregate classification (germline): Conflicting classifications of pathogenicity. Review status: criteria provided, conflicting classifications (1 of 4 stars). 8 submissions from 8 submitters: Uncertain significance (1); Likely benign (5). 2 of the submissions do not count toward it. Last evaluated 2026-01-28.

Conditions:
CFTR-related disorder (CFTR-RD). Also called: CFTR-related disorders; CFTR-related condition. Identifiers: MedGen C5924204, MONDO:7770004.
Cystic fibrosis (CF). Also called: MUCOVISCIDOSIS. Identifiers: Orphanet 586, MedGen C0010674, MONDO:0009061, OMIM 219700. Disease mechanism: loss of function.

Allele frequency attached by ClinVar (database versions not stated): TOPMed 0.00033; 1000 Genomes Project 30x 0.00062; 1000 Genomes Project 0.00060; ESP Exome Variant Server 0.00023; gnomAD 0.00025.
gnomAD v4.1: 77 of 1,613,352 alleles (0.0048%); highest among the groups gnomAD compares: African/African-American, 0.095%; no homozygotes.

Submissions (8):

Labcorp Genetics (formerly Invitae), Labcorp
Classification: Likely benign for Cystic fibrosis. Last evaluated: 2026-01-28. Review status: criteria provided, single submitter. Criteria: Invitae Variant Classification Sherloc (09022015). Collection method: clinical testing. Allele origin: germline.

ARUP Laboratories, Molecular Genetics and Genomics, ARUP Laboratories
Classification: Likely benign. Last evaluated: 2024-03-18. Review status: criteria provided, single submitter. Criteria: ARUP Molecular Germline Variant Investigation Process 2024. Collection method: clinical testing. Allele origin: germline.

Johns Hopkins Genomics, Johns Hopkins University
Classification: Likely benign for Cystic fibrosis. Last evaluated: 2019-12-09. Review status: criteria provided, single submitter. Criteria: ACMG Guidelines, 2015. Collection method: clinical testing. Allele origin: germline.

Women's Health and Genetics/Laboratory Corporation of America, LabCorp
Classification: Likely benign. Last evaluated: 2019-08-28. Review status: criteria provided, single submitter. Criteria: LabCorp Variant Classification Summary - May 2015. Collection method: clinical testing. Allele origin: germline.

Eurofins Ntd Llc (ga)
Classification: Uncertain significance. Last evaluated: 2017-05-02. Review status: criteria provided, single submitter. Criteria: EGL Classification Definitions 2015. Collection method: clinical testing. Allele origin: germline. Observed: 2 variant alleles, 2 heterozygotes.

Ambry Genetics
Classification: Likely benign for Cystic fibrosis. Last evaluated: 2015-06-18. Review status: criteria provided, single submitter. Criteria: Ambry Variant Classification Scheme 2023. Collection method: clinical testing. Allele origin: germline.

PreventionGenetics, part of Exact Sciences
Classification: Likely benign for CFTR-related condition. Last evaluated: 2019-06-17. Review status: no assertion criteria provided. Collection method: clinical testing. Allele origin: germline. Not counted in ClinVar's aggregate classification.
Comment: This variant is classified as likely benign based on ACMG/AMP sequence variant interpretation guidelines (Richards et al. 2015 PMID: 25741868, with internal and published modifications).

Natera, Inc.
Classification: Uncertain significance for Cystic Fibrosis. Last evaluated: 2017-05-09. Review status: no assertion criteria provided. Collection method: clinical testing. Allele origin: germline. Not counted in ClinVar's aggregate classification.

NM_000492.4(CFTR):c.4197C>G (p.Leu1399=)

Gene: CFTR (CF transmembrane conductance regulator; plus strand). Cytogenetic location: 7q31.2.
Variant type: single nucleotide variant.
Coding change: c.4197C>G on transcript NM_000492.4 (MANE Select); coding-DNA position 4197, C replaced by G.
Protein change: p.Leu1399=; no amino-acid change (leucine 1399 retained).
Molecular consequence: synonymous variant.
Genome position (GRCh38, 1-based): chr7:117,665,519, C>G. VCF-style: chr7-117665519-C-G. GRCh37 (hg19) VCF-style: chr7-117305573-C-G.
Identifiers: ClinVar variation 289973 (VCV000289973.23), dbSNP rs79688066, ClinGen allele CA4451659.